The following is an entry in ClinVar:

NM_144988.4(ALG14):c.200A>G (p.His67Arg)

Genes: ALG14 (ALG14 UDP-N-acetylglucosaminyltransferase subunit; minus strand), ALG14-AS1 (ALG14 antisense RNA 1; plus strand). Cytogenetic location: 1p21.3.
Variant type: single nucleotide variant.
Coding change: c.200A>G on transcript NM_144988.4 (MANE Select); coding-DNA position 200, A replaced by G.
Protein change: p.His67Arg; replaces histidine 67 with arginine.
Molecular consequence: missense variant.
Genome position (GRCh38, 1-based): chr1:95,064,954, T>C on the plus strand (A>G on the coding strand, the complement: ALG14 is on the minus strand). VCF-style: chr1-95064954-T-C. GRCh37 (hg19) VCF-style: chr1-95530510-T-C.
Other names: c.200A>G, p.His67Arg (NM_001305242.2); short protein forms H67R.
Identifiers: ClinVar variation 1308209 (VCV001308209.2), dbSNP rs1373281011, ClinGen allele CA341366841.

ClinVar aggregate classification (germline): Uncertain significance (1 of 4 stars; one submission).

Allele frequency attached by ClinVar (database versions not stated): TOPMed below 0.00001; gnomAD exomes 0.00001.
gnomAD v4.1: 3 of 1,614,004 alleles (0.00019%); highest among the groups gnomAD compares: Admixed American, 0.005%; no homozygotes.

Submission:

GeneDx
Classification: Uncertain significance. Last evaluated: 2021-03-29. Review status: criteria provided, single submitter. Criteria: GeneDx Variant Classification Process June 2021. Collection method: clinical testing. Allele origin: germline. Affected: yes.
Comment: Not observed at a significant frequency in large population cohorts (Lek et al., 2016); In silico analysis supports that this missense variant has a deleterious effect on protein structure/function; Observed with a likely pathogenic variant on the opposite allele (in trans) in two siblings referred for genetic testing at GeneDx